The following is an entry in ClinVar:

NM_012463.4(ATP6V0A2):c.2120T>C (p.Ile707Thr)

Gene: ATP6V0A2 (ATPase H+ transporting V0 subunit a2; plus strand). Cytogenetic location: 12q24.31.
Variant type: single nucleotide variant.
Coding change: c.2120T>C on transcript NM_012463.4 (MANE Select); coding-DNA position 2120, T replaced by C.
Protein change: p.Ile707Thr; replaces isoleucine 707 with threonine.
Molecular consequence: missense variant.
Genome position (GRCh38, 1-based): chr12:123,752,347, T>C. VCF-style: chr12-123752347-T-C. GRCh37 (hg19) VCF-style: chr12-124236894-T-C.
Other names: short protein forms I707T.
Identifiers: ClinVar variation 2499439 (VCV002499439.1), dbSNP rs765673040, ClinGen allele CA6862140.

ClinVar aggregate classification (germline): Uncertain significance (1 of 4 stars; one submission).

Allele frequency attached by ClinVar (database versions not stated): gnomAD exomes 0.00001; ExAC 0.00002; gnomAD 0.00002; TOPMed 0.00002.
gnomAD v4.1: 22 of 1,614,020 alleles (0.0014%); highest among the groups gnomAD compares: Non-Finnish European, 0.0017%; no homozygotes.

Submission:

GeneDx
Classification: Uncertain significance. Last evaluated: 2023-04-10. Review status: criteria provided, single submitter. Criteria: GeneDx Variant Classification Process June 2021. Collection method: clinical testing. Allele origin: germline. Affected: yes.
Comment: Not observed at a significant frequency in large population cohorts (gnomAD); In silico analysis supports that this missense variant does not alter protein structure/function; Has not been previously published as pathogenic or benign to our knowledge